The following is an entry in ClinVar:

ClinVar aggregate classification (germline): Benign. Review status: criteria provided, multiple submitters, no conflicts (2 of 4 stars). 14 submissions from 13 submitters: Benign (10). 4 of the submissions do not count toward it. Last evaluated 2026-02-04.

Conditions:
Inborn genetic diseases. Identifiers: MedGen C0950123, MeSH D030342.
Developmental and epileptic encephalopathy, 14 (DEE14). Also called: Early infantile epileptic encephalopathy 14. Identifiers: Orphanet 293181, MedGen C3554195, MONDO:0013989, OMIM 614959.
Autosomal dominant nocturnal frontal lobe epilepsy 5. Also called: Epilepsy, nocturnal frontal lobe, 5; KCNT1-Related Epilepsy; CILIARY DYSKINESIA, PRIMARY, 28, WITHOUT SITUS INVERSUS; CILIARY DYSKINESIA, PRIMARY, 28, WITH SITUS INVERSUS. Identifiers: Orphanet 98784, MedGen C3554306, MONDO:0014002, OMIM 615005.

Allele frequency attached by ClinVar (database versions not stated): 1000 Genomes Project 0.35543; gnomAD 0.30048 and 0.29915; ESP Exome Variant Server 0.29668; TOPMed 0.29701; 1000 Genomes Project 30x 0.35650; ExAC 0.26797.
gnomAD v4.1: 382,510 of 1,612,168 alleles (24%); highest among the groups gnomAD compares: African/African-American, 47%; 50,457 homozygotes.

Submissions (14):

Labcorp Genetics (formerly Invitae), Labcorp
Classification: Benign for Autosomal dominant nocturnal frontal lobe epilepsy 5; Developmental and epileptic encephalopathy, 14. Last evaluated: 2026-02-04. Review status: criteria provided, single submitter. Criteria: Invitae Variant Classification Sherloc (09022015). Collection method: clinical testing. Allele origin: germline.

Unidad de Genómica Garrahan, Hospital de Pediatría Garrahan
Classification: Benign. Last evaluated: 2024-07-15. Review status: criteria provided, single submitter. Criteria: ACMG Guidelines, 2015. Collection method: clinical testing. Allele origin: germline. Affected: no. Observed: 27 variant alleles.
Comment: This variant is classified as Benign based on local population frequency. This variant was detected in 29% of patients studied in a panel designed for Epileptic and Developmental Encephalopathy and Progressive Myoclonus Epilepsy. Number of patients: 27. Only high quality variants are reported.

Genome-Nilou Lab
Classification: Benign for Developmental and epileptic encephalopathy, 14. Last evaluated: 2022-03-15. Review status: criteria provided, single submitter. Criteria: ACMG Guidelines, 2015. Collection method: clinical testing. Allele origin: germline. Affected: no.

Genome-Nilou Lab
Classification: Benign for Autosomal dominant nocturnal frontal lobe epilepsy 5. Last evaluated: 2022-03-15. Review status: criteria provided, single submitter. Criteria: ACMG Guidelines, 2015. Collection method: clinical testing. Allele origin: germline. Affected: no.

Mayo Clinic Laboratories, Mayo Clinic
Classification: Benign. Last evaluated: 2018-04-02. Review status: criteria provided, single submitter. Criteria: ACMG Guidelines, 2015. Collection method: clinical testing. Allele origin: germline. Observed: 230 variant alleles.

Ambry Genetics
Classification: Benign for Inborn genetic diseases. Last evaluated: 2016-01-08. Review status: criteria provided, single submitter. Criteria: Ambry Variant Classification Scheme 2023. Collection method: clinical testing. Allele origin: germline.

GeneDx
Classification: Benign. Last evaluated: 2015-03-03. Review status: criteria provided, single submitter. Criteria: GeneDx Variant Classification Process June 2021. Collection method: clinical testing. Allele origin: germline. Affected: yes.

Eurofins Ntd Llc (ga)
Classification: Benign. Last evaluated: 2014-09-04. Review status: criteria provided, single submitter. Criteria: EGL Classification Definitions 2015. Collection method: clinical testing. Allele origin: germline. Observed: 1 variant allele, 1 homozygote.

Breakthrough Genomics
Classification: Benign. Review status: criteria provided, single submitter. Criteria: ACMG Guidelines, 2015. Collection method: not provided. Allele origin: germline. Inheritance: Autosomal dominant inheritance. Affected: yes.

PreventionGenetics, part of Exact Sciences
Classification: Benign. Review status: criteria provided, single submitter. Criteria: ACMG Guidelines, 2015. Collection method: clinical testing. Allele origin: germline.

Clinical Genetics, Academic Medical Center
Classification: Benign. Review status: no assertion criteria provided. Collection method: clinical testing. Allele origin: germline. Affected: yes. Study: VKGL Data-share Consensus. Not counted in ClinVar's aggregate classification.

Diagnostic Laboratory, Department of Genetics, University Medical Center Groningen
Classification: Benign. Review status: no assertion criteria provided. Collection method: clinical testing. Allele origin: germline. Affected: yes. Study: VKGL Data-share Consensus. Not counted in ClinVar's aggregate classification.

Genetic Services Laboratory, University of Chicago
Classification: Likely benign for AllHighlyPenetrant. Review status: no assertion criteria provided. Collection method: clinical testing. Allele origin: germline. Inheritance: Autosomal dominant inheritance. Not counted in ClinVar's aggregate classification.
Comment: Likely benign based on allele frequency in 1000 Genomes Project or ESP global frequency and its presence in a patient with a rare or unrelated disease phenotype. NOT Sanger confirmed.

Joint Genome Diagnostic Labs from Nijmegen and Maastricht, Radboudumc and MUMC+
Classification: Benign. Review status: no assertion criteria provided. Collection method: clinical testing. Allele origin: germline. Affected: yes. Study: VKGL Data-share Consensus. Not counted in ClinVar's aggregate classification.

NM_020822.3(KCNT1):c.1749G>A (p.Ala583=)

Gene: KCNT1 (potassium sodium-activated channel subfamily T member 1; plus strand). Cytogenetic location: 9q34.3.
Variant type: single nucleotide variant.
Coding change: c.1749G>A on transcript NM_020822.3 (MANE Select); coding-DNA position 1749, G replaced by A.
Protein change: p.Ala583=; no amino-acid change (alanine 583 retained).
Molecular consequence: synonymous variant.
Genome position (GRCh38, 1-based): chr9:135,770,427, G>A. VCF-style: chr9-135770427-G-A. GRCh37 (hg19) VCF-style: chr9-138662273-G-A.
Other names: p.Ala583=; c.1614G>A, p.Ala538= (NM_001272003.2).
Identifiers: ClinVar variation 129353 (VCV000129353.35), dbSNP rs17038714, ClinGen allele CA153303.